The following is an entry in ClinVar:

ClinVar aggregate classification (germline): Uncertain significance (1 of 4 stars; one submission).

Submission:

GeneDx
Classification: Uncertain significance. Last evaluated: 2022-10-12. Review status: criteria provided, single submitter. Criteria: GeneDx Variant Classification Process June 2021. Collection method: clinical testing. Allele origin: germline. Affected: yes.
Comment: Not observed at significant frequency in large population cohorts (gnomAD); In silico analysis supports that this missense variant has a deleterious effect on protein structure/function; Has not been previously published as pathogenic or benign to our knowledge; This variant is associated with the following publications: (PMID: 25486365, 2121369)

NM_001042492.3(NF1):c.3191T>G (p.Leu1064Arg)

Gene: NF1 (neurofibromin 1; plus strand). Cytogenetic location: 17q11.2.
Variant type: single nucleotide variant.
Coding change: c.3191T>G on transcript NM_001042492.3 (MANE Select); coding-DNA position 3191, T replaced by G.
Protein change: p.Leu1064Arg; replaces leucine 1064 with arginine.
Molecular consequence: missense variant.
Genome position (GRCh38, 1-based): chr17:31,230,919, T>G. VCF-style: chr17-31230919-T-G. GRCh37 (hg19) VCF-style: chr17-29557937-T-G.
Other names: c.3191T>G, p.Leu1064Arg (NM_000267.4); short protein forms L1064R.
Identifiers: ClinVar variation 2499368 (VCV002499368.1), dbSNP rs2151432531, ClinGen allele CA398988305.